The following is an entry in ClinVar:

ClinVar aggregate classification (germline): Uncertain significance (1 of 4 stars; one submission).

Conditions:
Hereditary motor and sensory neuropathy, Okinawa type (HMSNO). Also called: HEREDITARY MOTOR AND SENSORY NEUROPATHY, PROXIMAL TYPE. Identifiers: Orphanet 90117, MedGen C1858338, MONDO:0011468, OMIM 604484.
Hereditary spastic paraplegia 57. Also called: Spastic paraplegia 57, autosomal recessive. Identifiers: Orphanet 431329, MedGen C3714897, MONDO:0014295, OMIM 615658.

gnomAD v4.1: 1 of 1,614,012 alleles (0.000062%); highest among the groups gnomAD compares: Non-Finnish European, 0.000085%; no homozygotes.

Submission:

Labcorp Genetics (formerly Invitae), Labcorp
Classification: Uncertain significance for Hereditary motor and sensory neuropathy, Okinawa type; Hereditary spastic paraplegia 57. Last evaluated: 2023-06-04. Review status: criteria provided, single submitter. Criteria: Invitae Variant Classification Sherloc (09022015). Collection method: clinical testing. Allele origin: germline.
Comment: This sequence change replaces serine, which is neutral and polar, with cysteine, which is neutral and slightly polar, at codon 214 of the TFG protein (p.Ser214Cys). This variant is present in population databases (no rsID available, gnomAD 0.0009%). This variant has not been reported in the literature in individuals affected with TFG-related conditions. ClinVar contains an entry for this variant (Variation ID: 2192190). Advanced modeling of protein sequence and biophysical properties (such as structural, functional, and spatial information, amino acid conservation, physicochemical variation, residue mobility, and thermodynamic stability) performed at Invitae indicates that this missense variant is not expected to disrupt TFG protein function. In summary, the available evidence is currently insufficient to determine the role of this variant in disease. Therefore, it has been classified as a Variant of Uncertain Significance.

NM_006070.6(TFG):c.641C>G (p.Ser214Cys)

Gene: TFG (trafficking from ER to golgi regulator; plus strand). Cytogenetic location: 3q12.2.
Variant type: single nucleotide variant.
Coding change: c.641C>G on transcript NM_006070.6 (MANE Select); coding-DNA position 641, C replaced by G.
Protein change: p.Ser214Cys; replaces serine 214 with cysteine.
Molecular consequence: missense variant.
Genome position (GRCh38, 1-based): chr3:100,736,636, C>G. VCF-style: chr3-100736636-C-G. GRCh37 (hg19) VCF-style: chr3-100455480-C-G.
Other names: c.641C>G, p.Ser214Cys (NM_001007565.2, NM_001195478.2, NM_001195479.2); short protein forms S214C.
Identifiers: ClinVar variation 2192190 (VCV002192190.4), dbSNP rs1043185982, ClinGen allele CA353847060.
Genomic context (GRCh38, chr3:100,736,636, plus strand): 5'-GGCCACCCAGTGCTCCTGCAGAAGATCGTTCAGGAACACCCGACAGCATTGCTTCCTCCT[C>G]CTCAGCAGCTCACCCACCAGGCGTTCAGCCACAGCAGCCACCATATACAGGAGCTCAGAC-3'
Protein context (NP_006061.2, residues 204-224): SGTPDSIASS[Ser214Cys]SAAHPPGVQP